The following is an entry in ClinVar:

NM_177438.3(DICER1):c.65C>T (p.Ser22Leu)

Gene: DICER1 (dicer 1, ribonuclease III; minus strand). Cytogenetic location: 14q32.13.
Variant type: single nucleotide variant.
Coding change: c.65C>T on transcript NM_177438.3 (MANE Select); coding-DNA position 65, C replaced by T.
Protein change: p.Ser22Leu; replaces serine 22 with leucine.
Molecular consequence: missense variant.
Genome position (GRCh38, 1-based): chr14:95,133,394, G>A on the plus strand (C>T on the coding strand, the complement: DICER1 is on the minus strand). VCF-style: chr14-95133394-G-A. GRCh37 (hg19) VCF-style: chr14-95599731-G-A.
Other names: c.65C>T, p.Ser22Leu (NM_001195573.1, NM_001271282.3, NM_001291628.2 and 1 more transcripts); short protein forms S22L.
Identifiers: ClinVar variation 412121 (VCV000412121.10), dbSNP rs1060503626, ClinGen allele CA16614322.

ClinVar aggregate classification (germline): Uncertain significance (1 of 4 stars; one submission).

Conditions:
DICER1-related tumor predisposition. Also called: DICER1-related pleuropulmonary blastoma cancer predisposition syndrome; DICER1 syndrome. Identifiers: Orphanet 284343, MedGen C3839822, MONDO:0100216.

Allele frequency attached by ClinVar (database versions not stated): gnomAD exomes below 0.00001.
gnomAD v4.1: 2 of 1,614,066 alleles (0.00012%); no homozygotes.

Submission:

Labcorp Genetics (formerly Invitae), Labcorp
Classification: Uncertain significance for DICER1-related tumor predisposition. Last evaluated: 2016-12-06. Review status: criteria provided, single submitter. Criteria: Invitae Variant Classification Sherloc (09022015). Collection method: clinical testing. Allele origin: germline.
Comment: This sequence change replaces serine with leucine at codon 22 of the DICER1 protein (p.Ser22Leu). The serine residue is highly conserved and there is a large physicochemical difference between serine and leucine. This variant is not present in population databases (ExAC no frequency) and has not been reported in the literature in individuals with a DICER1-related disease. Algorithms developed to predict the effect of missense changes on protein structure and function do not agree on the potential impact of this missense change (SIFT: "Deleterious"; PolyPhen-2: "Probably Damaging"; Align-GVGD: "Class C0"). In summary, this variant is a novel missense change with uncertain impact on protein function. It has been classified as a Variant of Uncertain Significance.